The following is an entry in ClinVar:

NC_000023.10:g.(?_47432243)_(47479147_?)dup

Genes: MIR4769 (microRNA 4769; plus strand), TIMP1 (TIMP metallopeptidase inhibitor 1; plus strand), SYN1 (synapsin I; minus strand), LOC130068224 (ATAC-STARR-seq lymphoblastoid silent region 20808; plus strand), LOC121627969 (Sharpr-MPRA regulatory region 5152; plus strand) and 3 more. Cytogenetic location: Xp11.3-11.23.
Variant type: Duplication.
Identifiers: ClinVar variation 533669 (VCV000533669.2).

ClinVar aggregate classification (germline): Uncertain significance (1 of 4 stars; one submission).

Conditions:
Epilepsy, X-linked 1, with variable learning disabilities and behavior disorders. Also called: X-linked epilepsy-learning disabilities-behavior disorders syndrome. Identifiers: Orphanet 85294, MedGen C5774177, MONDO:0010339, OMIM 300491.

Submission:

Labcorp Genetics (formerly Invitae), Labcorp
Classification: Uncertain significance for Epilepsy, X-linked, with variable learning disabilities and behavior disorders. Last evaluated: 2019-11-20. Review status: criteria provided, single submitter. Criteria: Invitae Variant Classification Sherloc (09022015). Collection method: clinical testing. Allele origin: germline.
Comment: A gross duplication of the genomic region encompassing the full coding sequence of the SYN1 gene has been identified. The boundaries of this event are unknown as the duplication extends beyond the assayed region for this gene and therefore may encompass additional genes. As the precise location of this duplication is unknown, it may be in tandem or it may be located elsewhere in the genome. This variant has not been reported in the literature in individuals with a SYN1-related disease. In summary, the available evidence is currently insufficient to determine the role of this variant in disease. Therefore, it has been classified as a Variant of Uncertain Significance.